The following is an entry in ClinVar:

NM_007198.4(PLPBP):c.316A>T (p.Met106Leu)

Gene: PLPBP (pyridoxal phosphate binding protein; plus strand). Cytogenetic location: 8p11.23.
Variant type: single nucleotide variant.
Coding change: c.316A>T on transcript NM_007198.4 (MANE Select); coding-DNA position 316, A replaced by T.
Protein change: p.Met106Leu; replaces methionine 106 with leucine.
Molecular consequence: missense variant.
Genome position (GRCh38, 1-based): chr8:37,766,352, A>T. VCF-style: chr8-37766352-A-T. GRCh37 (hg19) VCF-style: chr8-37623870-A-T.
Other names: c.316A>T, p.Met106Leu (NM_001349346.2); c.310A>T, p.Met104Leu (NM_001349347.2); c.160A>T, p.Met54Leu (NM_001349348.2); c.421A>T, p.Met141Leu (NM_001349349.1); short protein forms M104L, M106L, M141L, M54L.
Identifiers: ClinVar variation 2031588 (VCV002031588.4), dbSNP rs2129777456, ClinGen allele CA370667166.

ClinVar aggregate classification (germline): Uncertain significance (1 of 4 stars; one submission).

Submission:

Labcorp Genetics (formerly Invitae), Labcorp
Classification: Uncertain significance. Last evaluated: 2022-05-27. Review status: criteria provided, single submitter. Criteria: Invitae Variant Classification Sherloc (09022015). Collection method: clinical testing. Allele origin: germline.
Comment: This sequence change replaces methionine, which is neutral and non-polar, with leucine, which is neutral and non-polar, at codon 106 of the PROSC protein (p.Met106Leu). This variant is not present in population databases (gnomAD no frequency). This variant has not been reported in the literature in individuals affected with PROSC-related conditions. Algorithms developed to predict the effect of missense changes on protein structure and function (SIFT, PolyPhen-2, Align-GVGD) all suggest that this variant is likely to be tolerated. In summary, the available evidence is currently insufficient to determine the role of this variant in disease. Therefore, it has been classified as a Variant of Uncertain Significance.